The following is an entry in ClinVar:

ClinVar aggregate classification (germline): Uncertain significance (1 of 4 stars; one submission).

Conditions:
Inborn genetic diseases. Identifiers: MedGen C0950123, MeSH D030342.

Submission:

Ambry Genetics
Classification: Uncertain significance for Inborn genetic diseases. Last evaluated: 2021-11-06. Review status: criteria provided, single submitter. Criteria: Ambry Variant Classification Scheme 2023. Collection method: clinical testing. Allele origin: germline.
Comment: The p.L1932M variant (also known as c.5794T>A), located in coding exon 40 of the LRRK2 gene, results from a T to A substitution at nucleotide position 5794. The leucine at codon 1932 is replaced by methionine, an amino acid with highly similar properties. This amino acid position is conserved. In addition, the in silico prediction for this alteration is inconclusive. Since supporting evidence is limited at this time, the clinical significance of this alteration remains unclear.

NM_198578.4(LRRK2):c.5794T>A (p.Leu1932Met)

Gene: LRRK2 (leucine rich repeat kinase 2; plus strand). Cytogenetic location: 12q12.
Variant type: single nucleotide variant.
Coding change: c.5794T>A on transcript NM_198578.4 (MANE Select); coding-DNA position 5794, T replaced by A.
Protein change: p.Leu1932Met; replaces leucine 1932 with methionine.
Molecular consequence: missense variant.
Genome position (GRCh38, 1-based): chr12:40,335,003, T>A. VCF-style: chr12-40335003-T-A. GRCh37 (hg19) VCF-style: chr12-40728805-T-A.
Other names: short protein forms L1932M.
Identifiers: ClinVar variation 1749676 (VCV001749676.2), dbSNP rs2499930177, ClinGen allele CA384401930.
Genomic context (GRCh38, chr12:40,335,003, plus strand): 5'-TTACATGATTTTGGACTTTTGCAGGAGCTTGTGGTGCTTTGCCACCTCCACCACCCCAGT[T>A]TGATATCTTTGCTGGCAGCTGGGATTCGTCCCCGGATGTTGGTGATGGAGTTAGCCTCCA-3'
Protein context (NP_940980.4, residues 1922-1942): VVLCHLHHPS[Leu1932Met]ISLLAAGIRP